The following is an entry in ClinVar:

ClinVar aggregate classification (germline): Pathogenic. Review status: criteria provided, multiple submitters, no conflicts (2 of 4 stars). 3 submissions from 3 submitters: Pathogenic (3). Last evaluated 2025-12-19.

Conditions:
Neurofibromatosis, type 1 (NF1). Also called: NEUROFIBROMATOSIS, TYPE I, SOMATIC; Peripheral type neurofibromatosis; Neurofibromatosis, type I; VON RECKLINGHAUSEN DISEASE. Identifiers: Orphanet 636, MedGen C0027831, MONDO:0018975, OMIM 162200. Disease mechanism: loss of function.

Submissions (3):

Labcorp Genetics (formerly Invitae), Labcorp
Classification: Pathogenic for Neurofibromatosis, type 1. Last evaluated: 2025-12-19. Review status: criteria provided, single submitter. Criteria: Invitae Variant Classification Sherloc (09022015). Collection method: clinical testing. Allele origin: germline.
Comment: This sequence change creates a premature translational stop signal (p.Gln684*) in the NF1 gene. It is expected to result in an absent or disrupted protein product. Loss-of-function variants in NF1 are known to be pathogenic (PMID: 10712197, 23913538). This variant is not present in population databases (gnomAD no frequency). This premature translational stop signal has been observed in individual(s) with neurofibromatosis type I (PMID: 23656349, 28955729). ClinVar contains an entry for this variant (Variation ID: 964637). For these reasons, this variant has been classified as Pathogenic.

GeneDx
Classification: Pathogenic. Last evaluated: 2025-02-18. Review status: criteria provided, single submitter. Criteria: GeneDx Variant Classification Process June 2021. Collection method: clinical testing. Allele origin: germline. Affected: yes.
Comment: Nonsense variant predicted to result in protein truncation or nonsense mediated decay in a gene for which loss of function is a known mechanism of disease; Not observed at significant frequency in large population cohorts (gnomAD); This variant is associated with the following publications: (PMID: 23913538, 10712197, 23656349, 28955729)

Clinical Genetics Service, Universitary Hospital 12 de Octubre
Classification: Pathogenic for Neurofibromatosis, type 1. Review status: criteria provided, single submitter. Criteria: ACMG Guidelines, 2015. Collection method: clinical testing. Allele origin: germline. Affected: yes.

Literature cited by the submitters: PubMed 10712197 (cited by Labcorp Genetics (formerly Invitae), Labcorp); PubMed 23913538 (cited by Labcorp Genetics (formerly Invitae), Labcorp); PubMed 23656349 (cited by Labcorp Genetics (formerly Invitae), Labcorp); PubMed 28955729 (cited by Labcorp Genetics (formerly Invitae), Labcorp).

NM_001042492.3(NF1):c.2050C>T (p.Gln684Ter)

Gene: NF1 (neurofibromin 1; plus strand). Cytogenetic location: 17q11.2.
Variant type: single nucleotide variant.
Coding change: c.2050C>T on transcript NM_001042492.3 (MANE Select); coding-DNA position 2050, C replaced by T.
Protein change: p.Gln684Ter; replaces glutamine 684 with a stop codon.
Molecular consequence: nonsense.
Genome position (GRCh38, 1-based): chr17:31,226,483, C>T. VCF-style: chr17-31226483-C-T. GRCh37 (hg19) VCF-style: chr17-29553501-C-T.
Other names: c.2050C>T, p.Gln684Ter (NM_000267.4); short protein forms Q684*.
Identifiers: ClinVar variation 964637 (VCV000964637.8), dbSNP rs2067016517, ClinGen allele CA398982088.